The following is an entry in ClinVar:

NM_020975.6(RET):c.1803G>A (p.Gly601=)

Gene: RET (ret proto-oncogene; plus strand). Cytogenetic location: 10q11.21.
Variant type: single nucleotide variant.
Coding change: c.1803G>A on transcript NM_020975.6 (MANE Select); coding-DNA position 1803, G replaced by A.
Protein change: p.Gly601=; no amino-acid change (glycine 601 retained).
Molecular consequence: synonymous variant. On other transcripts: intron variant (2).
Genome position (GRCh38, 1-based): chr10:43,113,599, G>A. VCF-style: chr10-43113599-G-A. GRCh37 (hg19) VCF-style: chr10-43609047-G-A.
Other names: c.1803G>A, p.Gly601= (NM_000323.2, NM_001406743.1, NM_001406744.1 and 6 more transcripts); c.1041G>A, p.Gly347= (NM_001355216.2); c.1674G>A, p.Gly558= (NM_001406761.1, NM_001406762.1, NM_001406764.1 and 1 more transcripts); c.1515G>A, p.Gly505= (NM_001406766.1, NM_001406767.1, NM_001406770.1); c.1407G>A, p.Gly469= (NM_001406769.1, NM_001406772.1); c.1365G>A, p.Gly455= (NM_001406771.1, NM_001406773.1); c.1278G>A, p.Gly426= (NM_001406774.1); c.1077G>A, p.Gly359= (NM_001406775.1, NM_001406776.1, NM_001406777.1 and 1 more transcripts); and 7 more.
Identifiers: ClinVar variation 755481 (VCV000755481.12), dbSNP rs779889311, ClinGen allele CA469027854.

ClinVar aggregate classification (germline): Benign/Likely benign. Review status: criteria provided, multiple submitters, no conflicts (2 of 4 stars). 3 submissions from 3 submitters: Benign (1); Likely benign (2). Last evaluated 2025-02-26.

Conditions:
Multiple endocrine neoplasia type 2A. Also called: Multiple Endocrine Neoplasia Type 2A (MEN2A); MULTIPLE ENDOCRINE NEOPLASIA, TYPE IIA; PTC SYNDROME; SIPPLE SYNDROME; MEN 2A; MEN-2A syndrome. Identifiers: Orphanet 247698, Orphanet 653, MedGen C0025268, MeSH D018813, MONDO:0008234, OMIM 171400.
Hereditary cancer-predisposing syndrome. Also called: Hereditary Cancer Syndrome; Hereditary neoplastic syndrome; Neoplastic Syndromes, Hereditary; Tumor predisposition. Identifiers: Orphanet 140162, MedGen C0027672, MeSH D009386, MONDO:0015356.
Multiple endocrine neoplasia, type 2 (MEN2). Identifiers: Orphanet 653, MedGen C4048306, MONDO:0019003. Disease mechanism: gain of function.

Submissions (3):

Myriad Genetics, Inc.
Classification: Benign for Multiple endocrine neoplasia type 2A. Last evaluated: 2025-02-26. Review status: criteria provided, single submitter. Criteria: Myriad Autosomal Dominant, Autosomal Recessive and X-Linked Classification Criteria (2023). Collection method: clinical testing. Allele origin: unknown.
Comment: This variant is considered benign. This variant is a silent/synonymous amino acid change and it is not expected to impact splicing.

Labcorp Genetics (formerly Invitae), Labcorp
Classification: Likely benign for Multiple endocrine neoplasia, type 2. Last evaluated: 2024-04-15. Review status: criteria provided, single submitter. Criteria: Invitae Variant Classification Sherloc (09022015). Collection method: clinical testing. Allele origin: germline.

Ambry Genetics
Classification: Likely benign for Hereditary cancer-predisposing syndrome. Last evaluated: 2023-05-15. Review status: criteria provided, single submitter. Criteria: Ambry Variant Classification Scheme 2023. Collection method: clinical testing. Allele origin: germline.